The following is an entry in ClinVar:

NM_001374385.1(ATP8B1):c.1371del (p.Thr458fs)

Gene: ATP8B1 (ATPase phospholipid transporting 8B1; minus strand). Cytogenetic location: 18q21.31.
Variant type: Deletion.
Coding change: c.1371del on transcript NM_001374385.1 (MANE Select); coding-DNA position 1371, one base deleted (G; older notation c.1371delG).
Protein change: p.Thr458fs; shifts the reading frame from threonine 458.
Molecular consequence: frameshift variant.
Genome position (GRCh38, 1-based): chr18:57,688,357, C deleted on the plus strand (G on the coding strand, the reverse complement: ATP8B1 is on the minus strand); the first of 4 consecutive C bases (chr18:57,688,357-57,688,360); deleting any one gives the same sequence. VCF-style (leftmost placement, unchanged base first): chr18-57688356-TC-T. GRCh37 (hg19) VCF-style: chr18-55355588-TC-T.
Other names: c.1221del, p.Thr408fs (NM_001374386.1); c.1371del, p.Thr458fs (NM_005603.6); short protein forms T408fs, T458fs.
Identifiers: ClinVar variation 4846295 (VCV004846295.1).
Genomic context (GRCh38, chr18:57,688,356, plus strand): 5'-TACCATATATCTGCCCGTTGATACAGCACTTTTTAAAGGTCATGATATTTTGTGTGAGTG[TC>T]CCCGTCTTATCAGAGAAGATATAATGGATCTGCCCGAGCTGTTCATTGAGTGTGGTGGTT-3'

ClinVar aggregate classification (germline): Pathogenic (1 of 4 stars; one submission).

Conditions:
Familial intrahepatic cholestasis. Identifiers: Orphanet 284385, MedGen CN296401, MONDO:0017290.

Submission:

Genomenon, Inc
Classification: Pathogenic for Familial intrahepatic cholestasis. Last evaluated: 2026-04-14. Review status: criteria provided, single submitter. Criteria: Genomenon Sequence Variant Interpretation Standards - Updated. Collection method: curation. Allele origin: germline. Affected: yes.
Comment: ATP8B1 p.Thr458HisfsTer7 (c.1371del) is a frameshift variant that results in the production of a truncated protein which is predicted to undergo nonsense-mediated mRNA decay. This variant has been observed in at least one proband with features of ATP8B1-deficiency (PMID:21342337). A de novo occurrence of this variant has been observed in at least one affected individual (PMID:21342337). It is absent or not present at a significant frequency in gnomAD. In conclusion, we classify ATP8B1 p.Thr458HisfsTer7 (c.1371del) as a pathogenic variant.

Literature cited by the submitters: PubMed 21342337.